The following is an entry in ClinVar:

NM_004963.4(GUCY2C):c.1219G>C (p.Val407Leu)

Genes: GUCY2C (guanylate cyclase 2C; minus strand), GUCY2C-AS1 (GUCY2C antisense RNA 1; plus strand). Cytogenetic location: 12p12.3.
Variant type: single nucleotide variant.
Coding change: c.1219G>C on transcript NM_004963.4 (MANE Select); coding-DNA position 1219, G replaced by C.
Protein change: p.Val407Leu; replaces valine 407 with leucine.
Molecular consequence: missense variant.
Genome position (GRCh38, 1-based): chr12:14,669,785, C>G on the plus strand (G>C on the coding strand, the complement: GUCY2C is on the minus strand). VCF-style: chr12-14669785-C-G. GRCh37 (hg19) VCF-style: chr12-14822719-C-G.
Other names: short protein forms V407L.
Identifiers: ClinVar variation 1489414 (VCV001489414.6), dbSNP rs530209992, ClinGen allele CA383997659.

ClinVar aggregate classification (germline): Uncertain significance (1 of 4 stars; one submission).

Submission:

Labcorp Genetics (formerly Invitae), Labcorp
Classification: Uncertain significance. Last evaluated: 2021-11-16. Review status: criteria provided, single submitter. Criteria: Invitae Variant Classification Sherloc (09022015). Collection method: clinical testing. Allele origin: germline.
Comment: In summary, the available evidence is currently insufficient to determine the role of this variant in disease. Therefore, it has been classified as a Variant of Uncertain Significance. Algorithms developed to predict the effect of missense changes on protein structure and function (SIFT, PolyPhen-2, Align-GVGD) all suggest that this variant is likely to be tolerated. This variant has not been reported in the literature in individuals affected with GUCY2C-related conditions. This variant is not present in population databases (gnomAD no frequency). This sequence change replaces valine, which is neutral and non-polar, with leucine, which is neutral and non-polar, at codon 407 of the GUCY2C protein (p.Val407Leu).